The following is an entry in ClinVar:

ClinVar aggregate classification (germline): Conflicting classifications of pathogenicity. Review status: criteria provided, conflicting classifications (1 of 4 stars). 4 submissions from 4 submitters: Uncertain significance (3); Likely benign (1). Last evaluated 2025-07-13.

Conditions:
Dilated cardiomyopathy 1DD (CMD1DD). Identifiers: Orphanet 154, MedGen C2750995, MONDO:0013168, OMIM 613172.
Cardiovascular phenotype. Identifiers: MedGen CN230736.

Allele frequency attached by ClinVar (database versions not stated): gnomAD 0.00002 and 0.00001; gnomAD exomes 0.00002 and 0.00001; ExAC 0.00006; TOPMed below 0.00001.
gnomAD v4.1: 20 of 1,550,766 alleles (0.0013%); highest among the groups gnomAD compares: South Asian, 0.012%; no homozygotes.

Submissions (4):

Ambry Genetics
Classification: Uncertain significance for Cardiovascular phenotype. Last evaluated: 2025-07-13. Review status: criteria provided, single submitter. Criteria: Ambry Variant Classification Scheme 2023. Collection method: clinical testing. Allele origin: germline.
Comment: The p.R641W variant (also known as c.1921C>T), located in coding exon 9 of the RBM20 gene, results from a C to T substitution at nucleotide position 1921. The arginine at codon 641 is replaced by tryptophan, an amino acid with dissimilar properties. This alteration has been reported in a neurodevelopmental disorders cohort (Turner TN et al. Am J Hum Genet, 2019 Dec;105:1274-1285). This amino acid position is well conserved in available vertebrate species. In addition, the in silico prediction for this alteration is inconclusive. Since supporting evidence is limited at this time, the clinical significance of this alteration remains unclear.

GeneDx
Classification: Uncertain significance. Last evaluated: 2025-07-06. Review status: criteria provided, single submitter. Criteria: GeneDx Variant Classification Process June 2021. Collection method: clinical testing. Allele origin: germline.
Comment: Reported as a de novo variant in a patient with a developmental disorder in published literature; however, de novo variants in other genes were also identified in this individual (PMID: 31785789); Not observed at significant frequency in large population cohorts (gnomAD); In silico analysis supports that this missense variant has a deleterious effect on protein structure/function; This variant is associated with the following publications: (PMID: 31785789)

Labcorp Genetics (formerly Invitae), Labcorp
Classification: Likely benign for Dilated cardiomyopathy 1DD. Last evaluated: 2025-02-17. Review status: criteria provided, single submitter. Criteria: Invitae Variant Classification Sherloc (09022015). Collection method: clinical testing. Allele origin: germline.

Fulgent Genetics
Classification: Uncertain significance for Dilated cardiomyopathy 1DD. Last evaluated: 2022-02-03. Review status: criteria provided, single submitter. Criteria: ACMG Guidelines, 2015. Collection method: clinical testing. Allele origin: unknown.

Literature cited by the submitters: PubMed 31785789 (cited by Ambry Genetics).

NM_001134363.3(RBM20):c.1921C>T (p.Arg641Trp)

Gene: RBM20 (RNA binding motif protein 20; plus strand). Cytogenetic location: 10q25.2.
Variant type: single nucleotide variant.
Coding change: c.1921C>T on transcript NM_001134363.3 (MANE Select); coding-DNA position 1921, C replaced by T.
Protein change: p.Arg641Trp; replaces arginine 641 with tryptophan.
Molecular consequence: missense variant.
Genome position (GRCh38, 1-based): chr10:110,812,318, C>T. VCF-style: chr10-110812318-C-T. GRCh37 (hg19) VCF-style: chr10-112572076-C-T.
Other names: c.1921C>T (NM_001134363.1); short protein forms R641W.
Identifiers: ClinVar variation 1051802 (VCV001051802.14), dbSNP rs772991270, ClinGen allele CA5688650.